The following is an entry in ClinVar:

ClinVar aggregate classification (germline): Uncertain significance (1 of 4 stars; one submission).

Allele frequency attached by ClinVar (database versions not stated): gnomAD 0.00003; gnomAD exomes 0.00003; TOPMed 0.00003; ExAC 0.00007.
gnomAD v4.1: 51 of 1,613,964 alleles (0.0032%); highest among the groups gnomAD compares: South Asian, 0.0099%; no homozygotes.

Submission:

Labcorp Genetics (formerly Invitae), Labcorp
Classification: Uncertain significance. Last evaluated: 2022-07-29. Review status: criteria provided, single submitter. Criteria: Invitae Variant Classification Sherloc (09022015). Collection method: clinical testing. Allele origin: germline.
Comment: This sequence change replaces glycine, which is neutral and non-polar, with serine, which is neutral and polar, at codon 746 of the BMP1 protein (p.Gly746Ser). This variant is present in population databases (rs747614043, gnomAD 0.01%). This variant has not been reported in the literature in individuals affected with BMP1-related conditions. Algorithms developed to predict the effect of missense changes on protein structure and function are either unavailable or do not agree on the potential impact of this missense change (SIFT: "Deleterious"; PolyPhen-2: "Benign"; Align-GVGD: "Class C55"). Algorithms developed to predict the effect of sequence changes on RNA splicing suggest that this variant may create or strengthen a splice site. In summary, the available evidence is currently insufficient to determine the role of this variant in disease. Therefore, it has been classified as a Variant of Uncertain Significance.

NM_006129.5(BMP1):c.2236G>A (p.Gly746Ser)

Gene: BMP1 (bone morphogenetic protein 1; plus strand). Cytogenetic location: 8p21.3.
Variant type: single nucleotide variant.
Coding change: c.2236G>A on transcript NM_006129.5 (MANE Select); coding-DNA position 2236, G replaced by A.
Protein change: p.Gly746Ser; replaces glycine 746 with serine.
Molecular consequence: missense variant. On other transcripts: non-coding transcript variant (1).
Genome position (GRCh38, 1-based): chr8:22,206,856, G>A. VCF-style: chr8-22206856-G-A. GRCh37 (hg19) VCF-style: chr8-22064369-G-A.
Other names: short protein forms G746S.
Identifiers: ClinVar variation 2191202 (VCV002191202.1), dbSNP rs747614043, ClinGen allele CA4665182.
Genomic context (GRCh38, chr8:22,206,856, plus strand): 5'-GGAGGCATCGGAGCTTGGGGTCCCTCTCTATCCCCTTCCGTCACTCGCTTCCCTGCAGCC[G>A]GCTGTGACCACAAGGTGACATCCACCAGTGGTACCATCACCAGCCCCAACTGGCCTGACA-3'
Protein context (NP_006120.1, residues 736-756): HDNKHDCKEA[Gly746Ser]CDHKVTSTSG